The following is an entry in ClinVar:

NM_001080508.3(TBX18):c.1024G>T (p.Val342Leu)

Gene: TBX18 (T-box transcription factor 18; minus strand). Cytogenetic location: 6q14.3.
Variant type: single nucleotide variant.
Coding change: c.1024G>T on transcript NM_001080508.3 (MANE Select); coding-DNA position 1024, G replaced by T.
Protein change: p.Val342Leu; replaces valine 342 with leucine.
Molecular consequence: missense variant.
Genome position (GRCh38, 1-based): chr6:84,738,572, C>A on the plus strand (G>T on the coding strand, the complement: TBX18 is on the minus strand). VCF-style: chr6-84738572-C-A. GRCh37 (hg19) VCF-style: chr6-85448290-C-A.
Other names: short protein forms V342L.
Identifiers: ClinVar variation 4698106 (VCV004698106.1).
Genomic context (GRCh38, chr6:84,738,572, plus strand): 5'-CAGGGATATCTTCAAAGGTCAGAGTCCGTAGTGATGGTCGCCAGAATGCATATGATTCCA[C>A]CAAGGCTTCCAAACCCATTCTAAATGGAAAGGGTCAGGATAGGGGTGGACAAAAGAAGTC-3'
Protein context (NP_001073977.1, residues 332-352): GRNRMGLEAL[Val342Leu]ESYAFWRPSL

ClinVar aggregate classification (germline): Uncertain significance (1 of 4 stars; one submission).

gnomAD v4.1: 1 of 1,613,806 alleles (0.000062%); highest among the groups gnomAD compares: Admixed American, 0.0017%; no homozygotes.

Submission:

Labcorp Genetics (formerly Invitae), Labcorp
Classification: Uncertain significance. Last evaluated: 2025-10-06. Review status: criteria provided, single submitter. Criteria: Invitae Variant Classification Sherloc (09022015). Collection method: clinical testing. Allele origin: germline.
Comment: This sequence change replaces valine, which is neutral and non-polar, with leucine, which is neutral and non-polar, at codon 342 of the TBX18 protein (p.Val342Leu). This variant is not present in population databases (gnomAD no frequency). This variant has not been reported in the literature in individuals affected with TBX18-related conditions. Invitae Evidence Modeling of protein sequence and biophysical properties (such as structural, functional, and spatial information, amino acid conservation, physicochemical variation, residue mobility, and thermodynamic stability) indicates that this missense variant is not expected to disrupt TBX18 protein function with a negative predictive value of 80%. In summary, the available evidence is currently insufficient to determine the role of this variant in disease. Therefore, it has been classified as a Variant of Uncertain Significance.